The following is an entry in ClinVar:

ClinVar aggregate classification (germline): Uncertain significance (1 of 4 stars; one submission).

Conditions:
Dilated cardiomyopathy 1G (CMD1G). Identifiers: Orphanet 154, MedGen C1858763, MONDO:0011400, OMIM 604145.
Autosomal recessive limb-girdle muscular dystrophy type 2J (LGMDR10). Also called: Limb-girdle muscular dystrophy, type 2J; MUSCULAR DYSTROPHY, LIMB-GIRDLE, AUTOSOMAL RECESSIVE 10. Identifiers: Orphanet 140922, MedGen C1837342, MONDO:0012127, OMIM 608807.

Allele frequency attached by ClinVar (database versions not stated): gnomAD exomes below 0.00001.
gnomAD v4.1: 2 of 1,613,128 alleles (0.00012%); highest among the groups gnomAD compares: Non-Finnish European, 0.00017%; no homozygotes.

Submission:

Labcorp Genetics (formerly Invitae), Labcorp
Classification: Uncertain significance for Dilated cardiomyopathy 1G; Autosomal recessive limb-girdle muscular dystrophy type 2J. Last evaluated: 2016-11-12. Review status: criteria provided, single submitter. Criteria: Invitae Variant Classification Sherloc (09022015). Collection method: clinical testing. Allele origin: germline.
Comment: Algorithms developed to predict the effect of sequence changes on RNA splicing suggest that this variant may alter RNA splicing, but this prediction has not been confirmed by published transcriptional studies. In summary, this variant is a novel missense change with uncertain impact on protein function. Missense variants in this region of the TTN gene are typically not causative for cardiac disease, but may be relevant for neuromuscular disorders. However, the available evidence is currently insufficient to determine this variant’s role in disease. Therefore, it has been classified as a Variant of Uncertain Significance. Algorithms developed to predict the effect of missense changes on protein structure and function are unavailable for the TTN gene. This variant is not present in population databases (ExAC no frequency) and has not been reported in the literature in individuals with a TTN-related disease. This sequence change replaces aspartic acid with glycine at codon 35700 of the TTN protein (p.Asp35700Gly). The aspartic acid residue is weakly conserved and there is a moderate physicochemical difference between aspartic acid and glycine.

NM_001267550.2(TTN):c.107099A>G (p.Asp35700Gly)

Genes: TTN (titin; minus strand), TTN-AS1 (TTN antisense RNA 1; plus strand). Cytogenetic location: 2q31.2.
Variant type: single nucleotide variant.
Coding change: c.107099A>G on transcript NM_001267550.2 (MANE Select); coding-DNA position 107099, A replaced by G.
Protein change: p.Asp35700Gly; replaces aspartic acid 35700 with glycine.
Molecular consequence: missense variant.
Genome position (GRCh38, 1-based): chr2:178,528,652, T>C on the plus strand (A>G on the coding strand, the complement: TTN is on the minus strand). VCF-style: chr2-178528652-T-C. GRCh37 (hg19) VCF-style: chr2-179393379-T-C.
Other names: c.102176A>G, p.Asp34059Gly (NM_001256850.1); c.79904A>G, p.Asp26635Gly (NM_003319.4); c.99395A>G, p.Asp33132Gly (NM_133378.4); c.80279A>G, p.Asp26760Gly (NM_133432.3); c.80480A>G, p.Asp26827Gly (NM_133437.4); short protein forms D35700G, D26635G, D26760G, D26827G, D33132G, D34059G.
Identifiers: ClinVar variation 404627 (VCV000404627.7), dbSNP rs1060500391, ClinGen allele CA16610276.